The following is an entry in ClinVar:

ClinVar aggregate classification (germline): Uncertain significance (1 of 4 stars; one submission).

Conditions:
Dystonia 5 (DRD). Also called: DYSTONIA, PROGRESSIVE, WITH DIURNAL VARIATION; DYSTONIA-PARKINSONISM WITH DIURNAL FLUCTUATION; GTP Cyclohydrolase 1-Deficient Dopa-Responsive Dystonia; Dystonia, DOPA-responsive, with or without hyperphenylalaninemia; DYT-GCH1. Identifiers: Orphanet 98808, MedGen C1851920, MONDO:0007495, OMIM 128230.
GTP cyclohydrolase I deficiency. Identifiers: MedGen C0268467, MONDO:0100184.

Submission:

Labcorp Genetics (formerly Invitae), Labcorp
Classification: Uncertain significance for GTP cyclohydrolase I deficiency; Dystonia 5. Last evaluated: 2024-10-24. Review status: criteria provided, single submitter. Criteria: Invitae Variant Classification Sherloc (09022015). Collection method: clinical testing. Allele origin: germline.
Comment: This sequence change falls in intron 3 of the GCH1 gene. It does not directly change the encoded amino acid sequence of the GCH1 protein. It affects a nucleotide within the consensus splice site. This variant is not present in population databases (gnomAD no frequency). This variant has not been reported in the literature in individuals affected with GCH1-related conditions. ClinVar contains an entry for this variant (Variation ID: 1483827). Variants that disrupt the consensus splice site are a relatively common cause of aberrant splicing (PMID: 17576681, 9536098). Algorithms developed to predict the effect of sequence changes on RNA splicing suggest that this variant is not likely to affect RNA splicing. In summary, the available evidence is currently insufficient to determine the role of this variant in disease. Therefore, it has been classified as a Variant of Uncertain Significance.

Literature cited by the submitters: PubMed 17576681; PubMed 9536098.

NM_000161.3(GCH1):c.509+6T>C

Gene: GCH1 (GTP cyclohydrolase 1; minus strand). Cytogenetic location: 14q22.2.
Variant type: single nucleotide variant.
Coding change: c.509+6T>C on transcript NM_000161.3 (MANE Select); 6 bases into the intron after coding-DNA position 509, T replaced by C.
Molecular consequence: intron variant.
Genome position (GRCh38, 1-based): chr14:54,859,675, A>G on the plus strand (T>C on the coding strand, the complement: GCH1 is on the minus strand). VCF-style: chr14-54859675-A-G. GRCh37 (hg19) VCF-style: chr14-55326393-A-G.
Other names: c.509+6T>C (NM_001024071.2, NM_001024070.2, NM_001024024.2).
Identifiers: ClinVar variation 1483827 (VCV001483827.6), dbSNP rs2140063307, ClinGen allele CA2573149994.
Genomic context (GRCh38, chr14:54,859,675, plus strand): 5'-GATTCTCAGCAGATGAGGGCAGGTCCTATAAACCTGTATTCTTGTTCACTGCACAGTCAC[A>G]CTTACCTCGCAAGTTTGCTGAGGCCAAGGACTTGCTTGTTAGGAAGATAACCAATATGGA-3'